The following is an entry in ClinVar:

NM_015602.4(TOR1AIP1):c.1609A>G (p.Lys537Glu)

Gene: TOR1AIP1 (torsin 1A interacting protein 1; plus strand). Cytogenetic location: 1q25.2.
Variant type: single nucleotide variant.
Coding change: c.1609A>G on transcript NM_015602.4 (MANE Select); coding-DNA position 1609, A replaced by G.
Protein change: p.Lys537Glu; replaces lysine 537 with glutamic acid.
Molecular consequence: missense variant.
Genome position (GRCh38, 1-based): chr1:179,918,096, A>G. VCF-style: chr1-179918096-A-G. GRCh37 (hg19) VCF-style: chr1-179887231-A-G.
Other names: c.1612A>G, p.Lys538Glu (NM_001267578.2); short protein forms K538E, K537E.
Identifiers: ClinVar variation 569658 (VCV000569658.12), dbSNP rs1558048637, ClinGen allele CA343576435.
Genomic context (GRCh38, chr1:179,918,096, plus strand): 5'-GAGACACTTGGAACAAGTCTAGGCCTAAAGGAAGTTGAAGAAAAAGTAAGAGATTTTCTT[A>G]AAGTCAAGTTCACCAATTCTAACACACCCAACTCCTACAATCATATGGACCCAGACAAAC-3'
Protein context (NP_056417.2, residues 527-547): EVEEKVRDFL[Lys537Glu]VKFTNSNTPN

ClinVar aggregate classification (germline): Uncertain significance. Review status: criteria provided, multiple submitters, no conflicts (2 of 4 stars). 3 submissions from 3 submitters: Uncertain significance (3). Last evaluated 2023-08-04.

Conditions:
Autosomal recessive limb-girdle muscular dystrophy type 2Y (MRRSDC). Also called: Muscular dystrophy, limb-girdle, type 2y; Muscular dystrophy, autosomal recessive, with rigid spine and distal joint contractures. Identifiers: Orphanet 424261, MedGen C4511482, MONDO:0014900, OMIM 617072.

Submissions (3):

Labcorp Genetics (formerly Invitae), Labcorp
Classification: Uncertain significance for Autosomal recessive limb-girdle muscular dystrophy type 2Y. Last evaluated: 2023-08-04. Review status: criteria provided, single submitter. Criteria: Invitae Variant Classification Sherloc (09022015). Collection method: clinical testing. Allele origin: germline.
Comment: In summary, the available evidence is currently insufficient to determine the role of this variant in disease. Therefore, it has been classified as a Variant of Uncertain Significance. This sequence change replaces lysine, which is basic and polar, with glutamic acid, which is acidic and polar, at codon 538 of the TOR1AIP1 protein (p.Lys538Glu). This variant is not present in population databases (gnomAD no frequency). This variant has not been reported in the literature in individuals affected with TOR1AIP1-related conditions. ClinVar contains an entry for this variant (Variation ID: 569658). Advanced modeling of protein sequence and biophysical properties (such as structural, functional, and spatial information, amino acid conservation, physicochemical variation, residue mobility, and thermodynamic stability) performed at Invitae indicates that this missense variant is not expected to disrupt TOR1AIP1 protein function.

Genome-Nilou Lab
Classification: Uncertain significance for Autosomal recessive limb-girdle muscular dystrophy type 2Y. Last evaluated: 2023-04-11. Review status: criteria provided, single submitter. Criteria: ACMG Guidelines, 2015. Collection method: clinical testing. Allele origin: germline. Affected: no.

Revvity Omics, Revvity
Classification: Uncertain significance. Last evaluated: 2019-02-13. Review status: criteria provided, single submitter. Criteria: ACMG Guidelines, 2015. Collection method: clinical testing. Allele origin: germline.